The following is an entry in ClinVar:

NM_018896.5(CACNA1G):c.1661A>C (p.His554Pro)

Gene: CACNA1G (calcium voltage-gated channel subunit alpha1 G; plus strand). Cytogenetic location: 17q21.33.
Variant type: single nucleotide variant.
Coding change: c.1661A>C on transcript NM_018896.5 (MANE Select); coding-DNA position 1661, A replaced by C.
Protein change: p.His554Pro; replaces histidine 554 with proline.
Molecular consequence: missense variant. On other transcripts: non-coding transcript variant (5).
Genome position (GRCh38, 1-based): chr17:50,576,063, A>C. VCF-style: chr17-50576063-A-C. GRCh37 (hg19) VCF-style: chr17-48653424-A-C.
Other names: c.1661A>C, p.His554Pro (NM_001256324.2, NM_001256325.2, NM_001256326.2 and 24 more transcripts); short protein forms H554P.
Identifiers: ClinVar variation 3634739 (VCV003634739.2).

ClinVar aggregate classification (germline): Uncertain significance (1 of 4 stars; one submission).

Submission:

Labcorp Genetics (formerly Invitae), Labcorp
Classification: Uncertain significance. Last evaluated: 2024-12-24. Review status: criteria provided, single submitter. Criteria: Invitae Variant Classification Sherloc (09022015). Collection method: clinical testing. Allele origin: germline.
Comment: This sequence change replaces histidine, which is basic and polar, with proline, which is neutral and non-polar, at codon 554 of the CACNA1G protein (p.His554Pro). This variant is not present in population databases (gnomAD no frequency). This variant has not been reported in the literature in individuals affected with CACNA1G-related conditions. Invitae Evidence Modeling of protein sequence and biophysical properties (such as structural, functional, and spatial information, amino acid conservation, physicochemical variation, residue mobility, and thermodynamic stability) has been performed for this missense variant. However, the output from this modeling did not meet the statistical confidence thresholds required to predict the impact of this variant on CACNA1G protein function. In summary, the available evidence is currently insufficient to determine the role of this variant in disease. Therefore, it has been classified as a Variant of Uncertain Significance.